The following is an entry in ClinVar:

ClinVar aggregate classification (germline): Uncertain significance (1 of 4 stars; one submission).

Conditions:
Carnitine palmitoyltransferase II deficiency. Also called: Carnitine Palmitoyltransferase 2 Deficiency. Identifiers: Orphanet 157, MedGen C0342790, MONDO:0015515.

Submission:

Labcorp Genetics (formerly Invitae), Labcorp
Classification: Uncertain significance for Carnitine palmitoyltransferase II deficiency. Last evaluated: 2021-09-14. Review status: criteria provided, single submitter. Criteria: Invitae Variant Classification Sherloc (09022015). Collection method: clinical testing. Allele origin: germline.
Comment: This sequence change replaces serine with arginine at codon 230 of the CPT2 protein (p.Ser230Arg). The serine residue is weakly conserved and there is a moderate physicochemical difference between serine and arginine. This variant is not present in population databases (ExAC no frequency). This variant has not been reported in the literature in individuals affected with CPT2-related conditions. Advanced modeling of protein sequence and biophysical properties (such as structural, functional, and spatial information, amino acid conservation, physicochemical variation, residue mobility, and thermodynamic stability) performed at Invitae indicates that this missense variant is not expected to disrupt CPT2 protein function. In summary, the available evidence is currently insufficient to determine the role of this variant in disease. Therefore, it has been classified as a Variant of Uncertain Significance.

NM_000098.3(CPT2):c.688A>C (p.Ser230Arg)

Gene: CPT2 (carnitine palmitoyltransferase 2; plus strand). Cytogenetic location: 1p32.3.
Variant type: single nucleotide variant.
Coding change: c.688A>C on transcript NM_000098.3 (MANE Select); coding-DNA position 688, A replaced by C.
Protein change: p.Ser230Arg; replaces serine 230 with arginine.
Molecular consequence: missense variant.
Genome position (GRCh38, 1-based): chr1:53,210,362, A>C. VCF-style: chr1-53210362-A-C. GRCh37 (hg19) VCF-style: chr1-53676034-A-C.
Other names: c.688A>C, p.Ser230Arg (NM_001330589.2); short protein forms S230R.
Identifiers: ClinVar variation 1437973 (VCV001437973.6), dbSNP rs1356873155, ClinGen allele CA340393288.